The following is an entry in ClinVar:

ClinVar aggregate classification (germline): Uncertain significance (1 of 4 stars; one submission).

Conditions:
Ullrich congenital muscular dystrophy 2 (UCMD2). Identifiers: Orphanet 75840, MedGen C4225314, MONDO:0014654, OMIM 616470.
Bethlem myopathy 2 (BTHLM2). Identifiers: Orphanet 536516, Orphanet 610, MedGen C4225313, MONDO:0034022, OMIM 616471.

Allele frequency attached by ClinVar (database versions not stated): gnomAD exomes below 0.00001.
gnomAD v4.1: 2 of 1,610,038 alleles (0.00012%); highest among the groups gnomAD compares: African/African-American, 0.0013%; no homozygotes.

Submission:

Labcorp Genetics (formerly Invitae), Labcorp
Classification: Uncertain significance for Bethlem myopathy 2; Ullrich congenital muscular dystrophy 2. Last evaluated: 2022-07-06. Review status: criteria provided, single submitter. Criteria: Invitae Variant Classification Sherloc (09022015). Collection method: clinical testing. Allele origin: germline.
Comment: ClinVar contains an entry for this variant (Variation ID: 567102). This sequence change replaces valine, which is neutral and non-polar, with alanine, which is neutral and non-polar, at codon 1559 of the COL12A1 protein (p.Val1559Ala). This variant is not present in population databases (gnomAD no frequency). This variant has not been reported in the literature in individuals affected with COL12A1-related conditions. Algorithms developed to predict the effect of missense changes on protein structure and function output the following: SIFT: "Tolerated"; PolyPhen-2: "Benign"; Align-GVGD: "Class C0". The alanine amino acid residue is found in multiple mammalian species, which suggests that this missense change does not adversely affect protein function. In summary, the available evidence is currently insufficient to determine the role of this variant in disease. Therefore, it has been classified as a Variant of Uncertain Significance.

NM_004370.6(COL12A1):c.4676T>C (p.Val1559Ala)

Gene: COL12A1 (collagen type XII alpha 1 chain; minus strand). Cytogenetic location: 6q13.
Variant type: single nucleotide variant.
Coding change: c.4676T>C on transcript NM_004370.6 (MANE Select); coding-DNA position 4676, T replaced by C.
Protein change: p.Val1559Ala; replaces valine 1559 with alanine.
Molecular consequence: missense variant.
Genome position (GRCh38, 1-based): chr6:75,145,340, A>G on the plus strand (T>C on the coding strand, the complement: COL12A1 is on the minus strand). VCF-style: chr6-75145340-A-G. GRCh37 (hg19) VCF-style: chr6-75855056-A-G.
Other names: c.1184T>C, p.Val395Ala (NM_080645.3); short protein forms V1559A, V395A.
Identifiers: ClinVar variation 567102 (VCV000567102.9), dbSNP rs1562217199, ClinGen allele CA364742779.